The following is an entry in ClinVar:

ClinVar aggregate classification (germline): Uncertain significance (1 of 4 stars; one submission).

Conditions:
Inborn genetic diseases. Identifiers: MedGen C0950123, MeSH D030342.

Submission:

Ambry Genetics
Classification: Uncertain significance for Inborn genetic diseases. Last evaluated: 2022-03-27. Review status: criteria provided, single submitter. Criteria: Ambry Variant Classification Scheme 2023. Collection method: clinical testing. Allele origin: germline.
Comment: The c.5113C>T (p.R1705W) alteration is located in exon 25 (coding exon 24) of the SPTBN1 gene. This alteration results from a C to T substitution at nucleotide position 5113, causing the arginine (R) at amino acid position 1705 to be replaced by a tryptophan (W). This variant was not reported in population-based cohorts in the Genome Aggregation Database (gnomAD). This amino acid position is highly conserved in available vertebrate species. The in silico prediction for this alteration is inconclusive. Based on insufficient or conflicting evidence, the clinical significance of this alteration remains unclear.

NM_003128.3(SPTBN1):c.5113C>T (p.Arg1705Trp)

Gene: SPTBN1 (spectrin beta, non-erythrocytic 1; plus strand). Cytogenetic location: 2p16.2.
Variant type: single nucleotide variant.
Coding change: c.5113C>T on transcript NM_003128.3 (MANE Select); coding-DNA position 5113, C replaced by T.
Protein change: p.Arg1705Trp; replaces arginine 1705 with tryptophan.
Molecular consequence: missense variant.
Genome position (GRCh38, 1-based): chr2:54,649,101, C>T. VCF-style: chr2-54649101-C-T. GRCh37 (hg19) VCF-style: chr2-54876238-C-T.
Other names: c.5074C>T, p.Arg1692Trp (NM_178313.3); short protein forms R1692W, R1705W.
Identifiers: ClinVar variation 2214829 (VCV002214829.2), dbSNP rs2549561620, ClinGen allele CA346906489.